The following is an entry in ClinVar:

ClinVar aggregate classification (germline): Conflicting classifications of pathogenicity. Review status: criteria provided, conflicting classifications (1 of 4 stars). 4 submissions from 4 submitters: Uncertain significance (3); Likely benign (1). Last evaluated 2025-01-17.

Conditions:
Hereditary cancer-predisposing syndrome. Also called: Neoplastic Syndromes, Hereditary; Tumor predisposition; Hereditary Cancer Syndrome; Hereditary neoplastic syndrome. Identifiers: Orphanet 140162, MedGen C0027672, MeSH D009386, MONDO:0015356.
Hereditary breast ovarian cancer syndrome. Also called: Breast and ovarian cancer; Hereditary breast and ovarian cancer; Hereditary breast and/or ovarian cancer syndrome; BRCA1- and BRCA2-Associated Hereditary Breast and Ovarian Cancer; Hereditary breast and ovarian cancer syndrome; Hereditary breast and ovarian cancer syndrome (HBOC). Identifiers: Orphanet 145, MedGen C0677776, MeSH D061325, MONDO:0003582. Disease mechanism: loss of function.

Allele frequency attached by ClinVar (database versions not stated): TOPMed below 0.00001; ExAC 0.00001; gnomAD 0.00001; gnomAD exomes 0.00001; ESP Exome Variant Server 0.00008.
gnomAD v4.1: 1 of 1,607,254 alleles (0.000062%); highest among the groups gnomAD compares: African/African-American, 0.0013%; no homozygotes.

Submissions (4):

Ambry Genetics
Classification: Uncertain significance for Hereditary cancer-predisposing syndrome. Last evaluated: 2025-01-17. Review status: criteria provided, single submitter. Criteria: Ambry Variant Classification Scheme 2023. Collection method: clinical testing. Allele origin: germline.
Comment: The p.D427H variant (also known as c.1279G>C), located in coding exon 9 of the BRCA2 gene, results from a G to C substitution at nucleotide position 1279. The aspartic acid at codon 427 is replaced by histidine, an amino acid with similar properties. This amino acid position is well conserved in available vertebrate species. In addition, this alteration is predicted to be tolerated by in silico analysis. Since supporting evidence is limited at this time, the clinical significance of this alteration remains unclear.

Labcorp Genetics (formerly Invitae), Labcorp
Classification: Uncertain significance for Hereditary breast ovarian cancer syndrome. Last evaluated: 2024-02-06. Review status: criteria provided, single submitter. Criteria: Invitae Variant Classification Sherloc (09022015). Collection method: clinical testing. Allele origin: germline.
Comment: This sequence change replaces aspartic acid, which is acidic and polar, with histidine, which is basic and polar, at codon 427 of the BRCA2 protein (p.Asp427His). This variant is not present in population databases (gnomAD no frequency). This variant has not been reported in the literature in individuals affected with BRCA2-related conditions. ClinVar contains an entry for this variant (Variation ID: 141848). Advanced modeling of protein sequence and biophysical properties (such as structural, functional, and spatial information, amino acid conservation, physicochemical variation, residue mobility, and thermodynamic stability) performed at Invitae indicates that this missense variant is not expected to disrupt BRCA2 protein function with a negative predictive value of 95%. In summary, the available evidence is currently insufficient to determine the role of this variant in disease. Therefore, it has been classified as a Variant of Uncertain Significance.

University of Washington Department of Laboratory Medicine, University of Washington
Classification: Likely benign for Hereditary cancer-predisposing syndrome. Last evaluated: 2023-03-23. Review status: criteria provided, single submitter. Criteria: Dines et al. (Genet Med. 2020). Collection method: curation. Allele origin: germline.
Comment: Missense variant in a coldspot region where missense variants are very unlikely to be pathogenic (PMID:31911673).

BRCA2 exon 10 coldspot. Reclassification based on statistical prior probability.

Women's Health and Genetics/Laboratory Corporation of America, LabCorp
Classification: Uncertain significance. Last evaluated: 2020-03-23. Review status: criteria provided, single submitter. Criteria: LabCorp Variant Classification Summary - May 2015. Collection method: clinical testing. Allele origin: germline.
Comment: Variant summary: BRCA2 c.1279G>C (p.Asp427His) results in a non-conservative amino acid change in the encoded protein sequence. Three of five in-silico tools predict a damaging effect of the variant on protein function. The variant allele was found at a frequency of 8.2e-06 in 243636 control chromosomes (gnomAD). The available data on variant occurrences in the general population are insufficient to allow any conclusion about variant significance. To our knowledge, no occurrence of c.1279G>C in individuals affected with Hereditary Breast and Ovarian Cancer and no experimental evidence demonstrating its impact on protein function have been reported. One clinical diagnostic laboratory has submitted clinical-significance assessments for this variant to ClinVar after 2014 without evidence for independent evaluation, and classified the variant as uncertain significance. Based on the evidence outlined above, the variant was classified as uncertain significance.

NM_000059.4(BRCA2):c.1279G>C (p.Asp427His)

Gene: BRCA2 (BRCA2 DNA repair associated; plus strand). Cytogenetic location: 13q13.1.
Variant type: single nucleotide variant.
Coding change: c.1279G>C on transcript NM_000059.4 (MANE Select); coding-DNA position 1279, G replaced by C.
Protein change: p.Asp427His; replaces aspartic acid 427 with histidine.
Molecular consequence: missense variant.
Genome position (GRCh38, 1-based): chr13:32,332,757, G>C. VCF-style: chr13-32332757-G-C. GRCh37 (hg19) VCF-style: chr13-32906894-G-C.
Other names: short protein forms D427H.
Identifiers: ClinVar variation 141848 (VCV000141848.18), dbSNP rs147797288, ClinGen allele CA011443.